The following is an entry in ClinVar:

NM_004714.3(DYRK1B):c.7G>A (p.Val3Ile)

Gene: DYRK1B (dual specificity tyrosine phosphorylation regulated kinase 1B; minus strand). Cytogenetic location: 19q13.2.
Variant type: single nucleotide variant.
Coding change: c.7G>A on transcript NM_004714.3 (MANE Select); coding-DNA position 7, G replaced by A.
Protein change: p.Val3Ile; replaces valine 3 with isoleucine.
Molecular consequence: missense variant.
Genome position (GRCh38, 1-based): chr19:39,831,861, C>T on the plus strand (G>A on the coding strand, the complement: DYRK1B is on the minus strand). VCF-style: chr19-39831861-C-T. GRCh37 (hg19) VCF-style: chr19-40322501-C-T.
Other names: c.7G>A (NM_004714.2); c.7G>A, p.Val3Ile (NM_006483.3, NM_006484.3); short protein forms V3I.
Identifiers: ClinVar variation 1991615 (VCV001991615.6), dbSNP rs966556487, ClinGen allele CA308301446.

ClinVar aggregate classification (germline): Uncertain significance. Review status: criteria provided, multiple submitters, no conflicts (2 of 4 stars). 2 submissions from 2 submitters: Uncertain significance (2). Last evaluated 2026-06-23.

Conditions:
DYRK1B-related disorder. Also called: DYRK1B-related condition.

Allele frequency attached by ClinVar (database versions not stated): TOPMed 0.00003; gnomAD 0.00008; gnomAD exomes 0.00009.

Submissions (2):

PreventionGenetics, part of Exact Sciences
Classification: Uncertain significance for DYRK1B-related condition. Last evaluated: 2026-06-23. Review status: criteria provided, single submitter. Criteria: ACMG Guidelines, 2015. Collection method: clinical testing. Allele origin: germline.
Comment: The DYRK1B c.7G>A variant is predicted to result in the amino acid substitution p.Val3Ile. To our knowledge, this variant has not been reported in the literature. This variant is reported in 0.0094% of alleles in individuals of European (Non-Finnish) descent in gnomAD. At this time, the clinical significance of this variant is uncertain due to the absence of conclusive functional and genetic evidence.

Labcorp Genetics (formerly Invitae), Labcorp
Classification: Uncertain significance. Last evaluated: 2025-10-21. Review status: criteria provided, single submitter. Criteria: Invitae Variant Classification Sherloc (09022015). Collection method: clinical testing. Allele origin: germline.
Comment: This sequence change replaces valine, which is neutral and non-polar, with isoleucine, which is neutral and non-polar, at codon 3 of the DYRK1B protein (p.Val3Ile). The frequency data for this variant in the population databases is considered unreliable, as metrics indicate poor data quality at this position in the gnomAD database. This variant has not been reported in the literature in individuals affected with DYRK1B-related conditions. ClinVar contains an entry for this variant (Variation ID: 1991615). Invitae Evidence Modeling of protein sequence and biophysical properties (such as structural, functional, and spatial information, amino acid conservation, physicochemical variation, residue mobility, and thermodynamic stability) indicates that this missense variant is not expected to disrupt DYRK1B protein function with a negative predictive value of 95%. In summary, the available evidence is currently insufficient to determine the role of this variant in disease. Therefore, it has been classified as a Variant of Uncertain Significance.